The following is an entry in ClinVar:

NM_002693.3(POLG):c.601G>T (p.Val201Phe)

Genes: POLGARF (POLG alternative reading frame; minus strand), POLG (DNA polymerase gamma, catalytic subunit; minus strand). Cytogenetic location: 15q26.1.
Variant type: single nucleotide variant.
Coding change: c.601G>T on transcript NM_002693.3 (MANE Select); coding-DNA position 601, G replaced by T.
Protein change: p.Val201Phe; replaces valine 201 with phenylalanine.
Molecular consequence: missense variant.
Genome position (GRCh38, 1-based): chr15:89,333,154, C>A on the plus strand (G>T on the coding strand, the complement: POLG is on the minus strand). VCF-style: chr15-89333154-C-A. GRCh37 (hg19) VCF-style: chr15-89876385-C-A.
Other names: c.601G>T, p.Val201Phe (NM_001126131.2); short protein forms V201F.
Identifiers: ClinVar variation 1377952 (VCV001377952.6), dbSNP rs2141814471, ClinGen allele CA393770450.

ClinVar aggregate classification (germline): Uncertain significance (1 of 4 stars; one submission).

Conditions:
Progressive sclerosing poliodystrophy (MTDPS4A). Also called: Mitochondrial DNA depletion syndrome 4A (Alpers type); ALPERS PROGRESSIVE INFANTILE POLIODYSTROPHY; NEURONAL DEGENERATION OF CHILDHOOD WITH LIVER DISEASE, PROGRESSIVE; Mitochondrial DNA Depletion Syndrome 4A; Alpers-Huttenlocher Syndrome (AHS); Alpers Syndrome. Identifiers: Orphanet 726, MedGen C0205710, MONDO:0008758, OMIM 203700.

gnomAD v4.1: 2 of 1,544,346 alleles (0.00013%); highest among the groups gnomAD compares: South Asian, 0.0012%; no homozygotes.

Submission:

Labcorp Genetics (formerly Invitae), Labcorp
Classification: Uncertain significance for Progressive sclerosing poliodystrophy. Last evaluated: 2022-06-14. Review status: criteria provided, single submitter. Criteria: Invitae Variant Classification Sherloc (09022015). Collection method: clinical testing. Allele origin: germline.
Comment: In summary, the available evidence is currently insufficient to determine the role of this variant in disease. Therefore, it has been classified as a Variant of Uncertain Significance. Algorithms developed to predict the effect of missense changes on protein structure and function are either unavailable or do not agree on the potential impact of this missense change (SIFT: "Deleterious"; PolyPhen-2: "Probably Damaging"; Align-GVGD: "Class C0"). This variant has not been reported in the literature in individuals affected with POLG-related conditions. This variant is not present in population databases (gnomAD no frequency). This sequence change replaces valine, which is neutral and non-polar, with phenylalanine, which is neutral and non-polar, at codon 201 of the POLG protein (p.Val201Phe).